The following is an entry in ClinVar:

NM_000282.4(PCCA):c.101_102del (p.Leu34fs)

Gene: PCCA (propionyl-CoA carboxylase subunit alpha; plus strand). Cytogenetic location: 13q32.3.
Variant type: Deletion.
Coding change: c.101_102del on transcript NM_000282.4 (MANE Select); coding-DNA positions 101 to 102, 2 bases deleted (TG; older notation c.101_102delTG).
Protein change: p.Leu34fs; shifts the reading frame from leucine 34.
Molecular consequence: frameshift variant. On other transcripts: 5 prime UTR variant (3), non-coding transcript variant (5).
Genome position (GRCh38, 1-based): chr13:100,089,221-100,089,222, TG deleted. VCF-style (leftmost placement, unchanged base first): chr13-100089220-CTG-C. GRCh37 (hg19) VCF-style: chr13-100741474-CTG-C.
Other names: c.101_102del, p.Leu34fs (NM_001127692.3, NM_001178004.2, NM_001352605.2 and 4 more transcripts); c.-766_-765del (NM_001352610.2, NM_001352611.2, NM_001352612.2); short protein forms L34fs.
Identifiers: ClinVar variation 1725572 (VCV001725572.2), dbSNP rs2541953376, ClinGen allele CA2580086938.
Genomic context (GRCh38, chr13:100,089,220, plus strand): 5'-GCCGGACGGCGTGGGCGGTGGCCGCCGCAGCAGCTGATGCTGAGCGCGGCGCTGCGGACC[CTG>C]AAGGTGAGGAGCAACGGGGCCTCGCGGGTCCGGGCTTCACTGGGCTTCTAGCCGTGCCGC-3'

ClinVar aggregate classification (germline): Likely pathogenic (1 of 4 stars; one submission).

Conditions:
Propionic acidemia (PROP). Also called: GLYCINEMIA, KETOTIC; HYPERGLYCINEMIA WITH KETOACIDOSIS AND LEUKOPENIA; KETOTIC HYPERGLYCINEMIA. Identifiers: Orphanet 35, MedGen C0268579, MONDO:0011628, OMIM 606054, HP:0003571.

Submission:

Myriad Genetics, Inc.
Classification: Likely pathogenic for Propionic acidemia. Last evaluated: 2022-03-30. Review status: criteria provided, single submitter. Criteria: Myriad Women's Health Autosomal Recessive and X-Linked Classification Criteria (2021). Collection method: clinical testing. Allele origin: unknown.
Comment: NM_000282.3(PCCA):c.101_102delTG(L34Qfs*16) is expected to be pathogenic in the context of PCCA-related propionic acidemia. This variant is predicted to lead to an abnormal or absent protein product due to the creation of a premature termination codon in PCCA, a gene where loss-of-function variants are known to be pathogenic. Please note: this variant was assessed in the context of healthy population screening.